The following is an entry in ClinVar:

NM_004341.5(CAD):c.5158G>A (p.Glu1720Lys)

Gene: CAD (carbamoyl-phosphate synthetase 2, aspartate transcarbamylase, and dihydroorotase; plus strand). Cytogenetic location: 2p23.3.
Variant type: single nucleotide variant.
Coding change: c.5158G>A on transcript NM_004341.5 (MANE Select); coding-DNA position 5158, G replaced by A.
Protein change: p.Glu1720Lys; replaces glutamic acid 1720 with lysine.
Molecular consequence: missense variant.
Genome position (GRCh38, 1-based): chr2:27,239,137, G>A. VCF-style: chr2-27239137-G-A. GRCh37 (hg19) VCF-style: chr2-27462005-G-A.
Other names: c.4969G>A, p.Glu1657Lys (NM_001306079.2); c.5158G>A (NM_004341.3); short protein forms E1657K, E1720K.
Identifiers: ClinVar variation 1394133 (VCV001394133.11), dbSNP rs749076924, ClinGen allele CA1573766.

ClinVar aggregate classification (germline): Uncertain significance. Review status: criteria provided, multiple submitters, no conflicts (2 of 4 stars). 5 submissions from 5 submitters: Uncertain significance (5). Last evaluated 2025-04-14.

Conditions:
Inborn genetic diseases. Identifiers: MedGen C0950123, MeSH D030342.

Allele frequency attached by ClinVar (database versions not stated): gnomAD exomes 0.00002 and 0.00006; TOPMed 0.00003; ExAC 0.00006.
gnomAD v4.1: 30 of 1,613,522 alleles (0.0019%); highest among the groups gnomAD compares: Admixed American, 0.03%; no homozygotes.

Submissions (5):

GeneDx
Classification: Uncertain significance. Last evaluated: 2025-04-14. Review status: criteria provided, single submitter. Criteria: GeneDx Variant Classification Process June 2021. Collection method: clinical testing. Allele origin: germline.
Comment: In silico analysis indicates that this missense variant does not alter protein structure/function; Has not been previously published as pathogenic or benign to our knowledge

Ambry Genetics
Classification: Uncertain significance for Inborn genetic diseases. Last evaluated: 2024-12-07. Review status: criteria provided, single submitter. Criteria: Ambry Variant Classification Scheme 2023. Collection method: clinical testing. Allele origin: germline.

Labcorp Genetics (formerly Invitae), Labcorp
Classification: Uncertain significance. Last evaluated: 2022-10-03. Review status: criteria provided, single submitter. Criteria: Invitae Variant Classification Sherloc (09022015). Collection method: clinical testing. Allele origin: germline.
Comment: This sequence change replaces glutamic acid, which is acidic and polar, with lysine, which is basic and polar, at codon 1720 of the CAD protein (p.Glu1720Lys). This variant is present in population databases (rs749076924, gnomAD 0.05%). This variant has not been reported in the literature in individuals affected with CAD-related conditions. ClinVar contains an entry for this variant (Variation ID: 1394133). Algorithms developed to predict the effect of missense changes on protein structure and function are either unavailable or do not agree on the potential impact of this missense change (SIFT: "Deleterious"; PolyPhen-2: "Benign"; Align-GVGD: "Class C15"). In summary, the available evidence is currently insufficient to determine the role of this variant in disease. Therefore, it has been classified as a Variant of Uncertain Significance.

Women's Health and Genetics/Laboratory Corporation of America, LabCorp
Classification: Uncertain significance. Last evaluated: 2022-05-12. Review status: criteria provided, single submitter. Criteria: LabCorp Variant Classification Summary - May 2015. Collection method: clinical testing. Allele origin: germline.
Comment: Variant summary: CAD c.5158G>A (p.Glu1720Lys) results in a conservative amino acid change in the encoded protein sequence. Three of five in-silico tools predict a benign effect of the variant on protein function. The variant allele was found at a frequency of 6.4e-05 in 250478 control chromosomes (gnomAD). This frequency is not significantly higher than expected for a pathogenic variant in CAD causing Early Infantile Epileptic Encephalopathy, 50 (6.4e-05 vs 0.0011), allowing no conclusion about variant significance. To our knowledge, no occurrence of c.5158G>A in individuals affected with Early Infantile Epileptic Encephalopathy, 50 and no experimental evidence demonstrating its impact on protein function have been reported. One clinical diagnostic laboratory has submitted clinical-significance assessments for this variant to ClinVar after 2014 without evidence for independent evaluation and classified the variant as uncertain significance. Based on the evidence outlined above, the variant was classified as uncertain significance.

Blueprint Genetics
Classification: Uncertain significance. Last evaluated: 2022-01-07. Review status: criteria provided, single submitter. Criteria: ACMG Guidelines, 2015. Collection method: clinical testing. Allele origin: germline.